The following is an entry in ClinVar:

NM_018706.7(DHTKD1):c.1906A>G (p.Ser636Gly)

Gene: DHTKD1 (dehydrogenase E1 and transketolase domain containing 1; plus strand). Cytogenetic location: 10p14.
Variant type: single nucleotide variant.
Coding change: c.1906A>G on transcript NM_018706.7 (MANE Select); coding-DNA position 1906, A replaced by G.
Protein change: p.Ser636Gly; replaces serine 636 with glycine.
Molecular consequence: missense variant.
Genome position (GRCh38, 1-based): chr10:12,106,255, A>G. VCF-style: chr10-12106255-A-G. GRCh37 (hg19) VCF-style: chr10-12148254-A-G.
Other names: short protein forms S636G.
Identifiers: ClinVar variation 1934152 (VCV001934152.6), dbSNP rs1564396341, ClinGen allele CA376010936.
Genomic context (GRCh38, chr10:12,106,255, plus strand): 5'-GCTCTGCCGTGGCCCTCACATGCAGCGTTTCCTTCTCTTCTCTGGGATTAGGTCAGCAAC[A>G]GCCCACTGTCAGAAGAGGCCGTCCTGGGATTTGAATATGGGATGAGCATTGAGAGCCCAA-3'
Protein context (NP_061176.4, residues 626-646): NQKGFLEVSN[Ser636Gly]PLSEEAVLGF

ClinVar aggregate classification (germline): Uncertain significance. Review status: criteria provided, multiple submitters, no conflicts (2 of 4 stars). 2 submissions from 2 submitters: Uncertain significance (2). Last evaluated 2025-04-20.

Conditions:
2-aminoadipic 2-oxoadipic aciduria (AAKAD). Also called: Aminoadipic aciduria; ALPHA-AMINOADIPIC AND ALPHA-KETOADIPIC ACIDURIA. Identifiers: Orphanet 79154, MedGen C1859817, MONDO:0008774, OMIM 204750.

Allele frequency attached by ClinVar (database versions not stated): gnomAD exomes 0.00001.
gnomAD v4.1: 4 of 1,614,138 alleles (0.00025%); highest among the groups gnomAD compares: Non-Finnish European, 0.00025%; no homozygotes.

Submissions (2):

Labcorp Genetics (formerly Invitae), Labcorp
Classification: Uncertain significance for 2-aminoadipic 2-oxoadipic aciduria. Last evaluated: 2025-04-20. Review status: criteria provided, single submitter. Criteria: Invitae Variant Classification Sherloc (09022015). Collection method: clinical testing. Allele origin: germline.
Comment: This sequence change replaces serine, which is neutral and polar, with glycine, which is neutral and non-polar, at codon 636 of the DHTKD1 protein (p.Ser636Gly). This variant is not present in population databases (gnomAD no frequency). This variant has not been reported in the literature in individuals affected with DHTKD1-related conditions. ClinVar contains an entry for this variant (Variation ID: 1934152). Invitae Evidence Modeling of protein sequence and biophysical properties (such as structural, functional, and spatial information, amino acid conservation, physicochemical variation, residue mobility, and thermodynamic stability) indicates that this missense variant is expected to disrupt DHTKD1 protein function with a positive predictive value of 80%. In summary, the available evidence is currently insufficient to determine the role of this variant in disease. Therefore, it has been classified as a Variant of Uncertain Significance.

Women's Health and Genetics/Laboratory Corporation of America, LabCorp
Classification: Uncertain significance. Last evaluated: 2023-10-13. Review status: criteria provided, single submitter. Criteria: LabCorp Variant Classification Summary - May 2015. Collection method: clinical testing. Allele origin: germline.
Comment: Variant summary: DHTKD1 c.1906A>G (p.Ser636Gly) results in a non-conservative amino acid change located in the transketolase-like, pyrimidine-binding domain (IPR005475) of the encoded protein sequence. Five of five in-silico tools predict a damaging effect of the variant on protein function. The variant allele was found at a frequency of 4e-06 in 251448 control chromosomes (gnomAD). The available data on variant occurrences in the general population are insufficient to allow any conclusion about variant significance. To our knowledge, no occurrence of c.1906A>G in individuals affected with 2-Aminoadipic 2-Oxoadipic Aciduria and no experimental evidence demonstrating its impact on protein function have been reported. One submitter has cited clinical-significance assessments for this variant to ClinVar after 2014 and has classified the variant as uncertain significance. Based on the evidence outlined above, the variant was classified as uncertain significance.